The following is an entry in ClinVar:

ClinVar aggregate classification (germline): Likely benign. Review status: criteria provided, multiple submitters, no conflicts (2 of 4 stars). 3 submissions from 3 submitters: Likely benign (2). 1 of the submissions does not count toward it. Last evaluated 2026-02-01.

Conditions:
SLC16A1-related disorder. Also called: SLC16A1-related disorders; SLC16A1-related condition.

Submissions (3):

Labcorp Genetics (formerly Invitae), Labcorp
Classification: Likely benign. Last evaluated: 2026-02-01. Review status: criteria provided, single submitter. Criteria: Invitae Variant Classification Sherloc (09022015). Collection method: clinical testing. Allele origin: germline.

Mayo Clinic Laboratories, Mayo Clinic
Classification: Likely benign. Last evaluated: 2025-03-11. Review status: criteria provided, single submitter. Criteria: ACMG Guidelines, 2015. Collection method: clinical testing. Allele origin: germline. Observed: 1 variant allele.
Comment: BS1, BP4, BP7

PreventionGenetics, part of Exact Sciences
Classification: Likely benign for SLC16A1-related condition. Last evaluated: 2022-05-11. Review status: no assertion criteria provided. Collection method: clinical testing. Allele origin: germline. Not counted in ClinVar's aggregate classification.
Comment: This variant is classified as likely benign based on ACMG/AMP sequence variant interpretation guidelines (Richards et al. 2015 PMID: 25741868, with internal and published modifications).

NM_003051.4(SLC16A1):c.362-58TATT[7]

Gene: SLC16A1 (solute carrier family 16 member 1; minus strand). Cytogenetic location: 1p13.2.
Variant type: Microsatellite.
Coding change: c.362-58TATT[7] on transcript NM_003051.4 (MANE Select); seven copies in a row of the 4-base unit TATT starting at c.362-58; the reference has 12 copies in a row; five copies, 20 bases deleted.
Molecular consequence: intron variant.
Genome position (GRCh38, 1-based): chr1:112,918,055-112,918,074, AATAAATAAATAAATAAATA deleted on the plus strand (TATTTATTTATTTATTTATT on the coding strand, the reverse complement: SLC16A1 is on the minus strand); deleting any 20 consecutive bases within chr1:112,918,055-112,918,103 gives the same sequence; the position shown is the placement nearest the transcript's 3' end. VCF-style (leftmost placement, unchanged base first): chr1-112918054-CAATAAATAAATAAATAAATA-C. GRCh37 (hg19) VCF-style: chr1-113460676-CAATAAATAAATAAATAAATA-C.
Other names: p.?; c.362-58TATT[7] (NM_001166496.2); c.362-30_362-11del (NM_003051.3); c.362-30_362-11del20 (NM_003051.3).
Identifiers: ClinVar variation 1629202 (VCV001629202.11), dbSNP rs149491709, ClinGen allele CA1011435.